The following is an entry in ClinVar:

NM_021926.4(ALX4):c.821G>A (p.Arg274His)

Gene: ALX4 (ALX homeobox 4; minus strand). Cytogenetic location: 11p11.2.
Variant type: single nucleotide variant.
Coding change: c.821G>A on transcript NM_021926.4 (MANE Select); coding-DNA position 821, G replaced by A.
Protein change: p.Arg274His; replaces arginine 274 with histidine.
Molecular consequence: missense variant.
Genome position (GRCh38, 1-based): chr11:44,267,579, C>T on the plus strand (G>A on the coding strand, the complement: ALX4 is on the minus strand). VCF-style: chr11-44267579-C-T. GRCh37 (hg19) VCF-style: chr11-44289129-C-T.
Other names: short protein forms R274H.
Identifiers: ClinVar variation 4754212 (VCV004754212.2).

ClinVar aggregate classification (germline): Uncertain significance. Review status: criteria provided, multiple submitters, no conflicts (2 of 4 stars). 2 submissions from 2 submitters: Uncertain significance (2). Last evaluated 2025-06-15.

gnomAD v4.1: 56 of 1,614,056 alleles (0.0035%); highest among the groups gnomAD compares: South Asian, 0.0055%; 1 homozygote.

Submissions (2):

Labcorp Genetics (formerly Invitae), Labcorp
Classification: Uncertain significance. Last evaluated: 2025-06-15. Review status: criteria provided, single submitter. Criteria: Invitae Variant Classification Sherloc (09022015). Collection method: clinical testing. Allele origin: germline.
Comment: This sequence change replaces arginine, which is basic and polar, with histidine, which is basic and polar, at codon 274 of the ALX4 protein (p.Arg274His). This variant is present in population databases (rs368050443, gnomAD 0.02%). This variant has not been reported in the literature in individuals affected with ALX4-related conditions. An algorithm developed to predict the effect of missense changes on protein structure and function (PolyPhen-2) suggests that this variant is likely to be disruptive. In summary, the available evidence is currently insufficient to determine the role of this variant in disease. Therefore, it has been classified as a Variant of Uncertain Significance.

Blueprint Genetics
Classification: Uncertain significance. Last evaluated: 2024-03-11. Review status: criteria provided, single submitter. Criteria: ACMG Guidelines, 2015. Collection method: clinical testing. Allele origin: germline.